The following is an entry in ClinVar:

NM_144643.4(SCLT1):c.47A>G (p.Asn16Ser)

Gene: SCLT1 (sodium channel and clathrin linker 1; minus strand). Cytogenetic location: 4q28.2.
Variant type: single nucleotide variant.
Coding change: c.47A>G on transcript NM_144643.4 (MANE Select); coding-DNA position 47, A replaced by G.
Protein change: p.Asn16Ser; replaces asparagine 16 with serine.
Molecular consequence: missense variant.
Genome position (GRCh38, 1-based): chr4:129,082,361, T>C on the plus strand (A>G on the coding strand, the complement: SCLT1 is on the minus strand). VCF-style: chr4-129082361-T-C. GRCh37 (hg19) VCF-style: chr4-130003516-T-C.
Other names: c.47A>G, p.Asn16Ser (NM_001300897.2, NM_001300898.2); c.47A>G (NM_144643.3); short protein forms N16S.
Identifiers: ClinVar variation 1367150 (VCV001367150.5), dbSNP rs757220816, ClinGen allele CA3080097.

ClinVar aggregate classification (germline): Uncertain significance. Review status: criteria provided, multiple submitters, no conflicts (2 of 4 stars). 3 submissions from 3 submitters: Uncertain significance (2). 1 of the submissions does not count toward it. Last evaluated 2024-09-06.

Conditions:
SCLT1-related disorder. Also called: SCLT1-related condition.

Allele frequency attached by ClinVar (database versions not stated): gnomAD exomes below 0.00001; ExAC 0.00001.
gnomAD v4.1: 5 of 1,592,512 alleles (0.00031%); highest among the groups gnomAD compares: East Asian, 0.0023%; no homozygotes.

Submissions (3):

Blueprint Genetics
Classification: Uncertain significance. Last evaluated: 2024-09-06. Review status: criteria provided, single submitter. Criteria: ACMG Guidelines, 2015. Collection method: clinical testing. Allele origin: germline.

Labcorp Genetics (formerly Invitae), Labcorp
Classification: Uncertain significance. Last evaluated: 2022-09-06. Review status: criteria provided, single submitter. Criteria: Invitae Variant Classification Sherloc (09022015). Collection method: clinical testing. Allele origin: germline.
Comment: This sequence change replaces asparagine, which is neutral and polar, with serine, which is neutral and polar, at codon 16 of the SCLT1 protein (p.Asn16Ser). The frequency data for this variant in the population databases is considered unreliable, as metrics indicate poor data quality at this position in the gnomAD database. This variant has not been reported in the literature in individuals affected with SCLT1-related conditions. ClinVar contains an entry for this variant (Variation ID: 1367150). Algorithms developed to predict the effect of missense changes on protein structure and function output the following: SIFT: "Deleterious"; PolyPhen-2: "Benign"; Align-GVGD: "Class C0". The serine amino acid residue is found in multiple mammalian species, which suggests that this missense change does not adversely affect protein function. In summary, the available evidence is currently insufficient to determine the role of this variant in disease. Therefore, it has been classified as a Variant of Uncertain Significance.

PreventionGenetics, part of Exact Sciences
Classification: Uncertain significance for SCLT1-related condition. Last evaluated: 2024-09-25. Review status: no assertion criteria provided. Collection method: clinical testing. Allele origin: germline. Not counted in ClinVar's aggregate classification.
Comment: The SCLT1 c.47A>G variant is predicted to result in the amino acid substitution p.Asn16Ser. To our knowledge, this variant has not been reported in the literature or in a large population database, indicating that the variant is rare. At this time, the clinical significance of this variant is uncertain due to the absence of conclusive functional and genetic evidence.